The following is an entry in ClinVar:

NM_004006.3(DMD):c.3608C>G (p.Ala1203Gly)

Gene: DMD (dystrophin; minus strand). Cytogenetic location: Xp21.1.
Variant type: single nucleotide variant.
Coding change: c.3608C>G on transcript NM_004006.3 (MANE Select); coding-DNA position 3608, C replaced by G.
Protein change: p.Ala1203Gly; replaces alanine 1203 with glycine.
Molecular consequence: missense variant.
Genome position (GRCh38, 1-based): chrX:32,448,634, G>C on the plus strand (C>G on the coding strand, the complement: DMD is on the minus strand). VCF-style: chrX-32448634-G-C. GRCh37 (hg19) VCF-style: chrX-32466751-G-C.
Other names: c.3584C>G, p.Ala1195Gly (NM_000109.4); c.3596C>G, p.Ala1199Gly (NM_004009.3); c.3239C>G, p.Ala1080Gly (NM_004010.3); short protein forms A1203G, A1080G, A1199G, A1195G.
Identifiers: ClinVar variation 4737760 (VCV004737760.1).

ClinVar aggregate classification (germline): Uncertain significance (1 of 4 stars; one submission).

Conditions:
Duchenne muscular dystrophy (DMD). Also called: MUSCULAR DYSTROPHY, PSEUDOHYPERTROPHIC PROGRESSIVE, DUCHENNE TYPE; Duchenne Muscular Dystrophy (DMD). Identifiers: Orphanet 98896, MedGen C0013264, MONDO:0010679, OMIM 310200.

Submission:

Labcorp Genetics (formerly Invitae), Labcorp
Classification: Uncertain significance for Duchenne muscular dystrophy. Last evaluated: 2025-10-09. Review status: criteria provided, single submitter. Criteria: Invitae Variant Classification Sherloc (09022015). Collection method: clinical testing. Allele origin: germline.
Comment: This sequence change replaces alanine, which is neutral and non-polar, with glycine, which is neutral and non-polar, at codon 1203 of the DMD protein (p.Ala1203Gly). This variant is not present in population databases (gnomAD no frequency). This variant has not been reported in the literature in individuals affected with DMD-related conditions. Invitae Evidence Modeling of protein sequence and biophysical properties (such as structural, functional, and spatial information, amino acid conservation, physicochemical variation, residue mobility, and thermodynamic stability) indicates that this missense variant is not expected to disrupt DMD protein function with a negative predictive value of 95%. In summary, the available evidence is currently insufficient to determine the role of this variant in disease. Therefore, it has been classified as a Variant of Uncertain Significance.